The following is an entry in ClinVar:

ClinVar aggregate classification (germline): Uncertain significance (1 of 4 stars; one submission).

Allele frequency attached by ClinVar (database versions not stated): TOPMed below 0.00001; gnomAD 0.00001.
gnomAD v4.1: 1 of 1,613,202 alleles (0.000062%); highest among the groups gnomAD compares: Non-Finnish European, 0.000085%; no homozygotes.

Submission:

CeGaT Center for Human Genetics Tuebingen
Classification: Uncertain significance. Last evaluated: 2024-03-01. Review status: criteria provided, single submitter. Criteria: CeGaT Center For Human Genetics Tuebingen Variant Classification Criteria Version 2. Collection method: clinical testing. Allele origin: germline. Affected: yes. Observed: 1 variant allele.
Comment: CACNA1A: PM2, PP2

NM_001127222.2(CACNA1A):c.2484G>C (p.Gln828His)

Gene: CACNA1A (calcium voltage-gated channel subunit alpha1 A; minus strand). Cytogenetic location: 19p13.13.
Variant type: single nucleotide variant.
Coding change: c.2484G>C on transcript NM_001127222.2 (MANE Select); coding-DNA position 2484, G replaced by C.
Protein change: p.Gln828His; replaces glutamine 828 with histidine.
Molecular consequence: missense variant.
Genome position (GRCh38, 1-based): chr19:13,299,149, C>G on the plus strand (G>C on the coding strand, the complement: CACNA1A is on the minus strand). VCF-style: chr19-13299149-C-G. GRCh37 (hg19) VCF-style: chr19-13409963-C-G.
Other names: c.2496G>C, p.Gln832His (NM_000068.4, NM_023035.3); c.2487G>C, p.Gln829His (NM_001127221.2, NM_001174080.2); short protein forms Q828H, Q829H, Q832H.
Identifiers: ClinVar variation 3067628 (VCV003067628.21), dbSNP rs1349704493, ClinGen allele CA404343355.
Genomic context (GRCh38, chr19:13,299,149, plus strand): 5'-GCGCTGGTCCACGGTGGGCTCGGCCGCCCGGCTCTTGTTGGTGTTGTTGTTGCGGTTCTC[C>G]TGCGGGTCCACCACCAGCGGCCGGTCCAAGTGCGTCTTCATGTCTGGCCGCAGGTGCCGC-3'
Protein context (NP_001120694.1, residues 818-838): HLDRPLVVDP[Gln828His]ENRNNNTNKS